The following is an entry in ClinVar:

NM_032119.4(ADGRV1):c.11674C>T (p.Arg3892Trp)

Gene: ADGRV1 (adhesion G protein-coupled receptor V1; plus strand). Cytogenetic location: 5q14.3.
Variant type: single nucleotide variant.
Coding change: c.11674C>T on transcript NM_032119.4 (MANE Select); coding-DNA position 11674, C replaced by T.
Protein change: p.Arg3892Trp; replaces arginine 3892 with tryptophan.
Molecular consequence: missense variant. On other transcripts: non-coding transcript variant (1).
Genome position (GRCh38, 1-based): chr5:90,756,547, C>T. VCF-style: chr5-90756547-C-T. GRCh37 (hg19) VCF-style: chr5-90052364-C-T.
Other names: short protein forms R3892W.
Identifiers: ClinVar variation 942557 (VCV000942557.10), dbSNP rs766913299, ClinGen allele CA3341020.

ClinVar aggregate classification (germline): Conflicting classifications of pathogenicity. Review status: criteria provided, conflicting classifications (1 of 4 stars). 2 submissions from 2 submitters: Uncertain significance (1); Likely benign (1). Last evaluated 2026-04-01.

Allele frequency attached by ClinVar (database versions not stated): gnomAD exomes 0.00004 and 0.00002; TOPMed 0.00001; ExAC 0.00004.
gnomAD v4.1: 31 of 1,612,794 alleles (0.0019%); highest among the groups gnomAD compares: South Asian, 0.024%; 1 homozygote.

Submissions (2):

GeneDx
Classification: Uncertain significance. Last evaluated: 2026-04-01. Review status: criteria provided, single submitter. Criteria: GeneDx Variant Classification Process June 2021. Collection method: clinical testing. Allele origin: germline.
Comment: In silico analysis supports that this missense variant has a deleterious effect on protein structure/function; Has not been previously published as pathogenic or benign to our knowledge

Labcorp Genetics (formerly Invitae), Labcorp
Classification: Likely benign. Last evaluated: 2025-12-20. Review status: criteria provided, single submitter. Criteria: Invitae Variant Classification Sherloc (09022015). Collection method: clinical testing. Allele origin: germline.